The following is an entry in ClinVar:

NM_013352.4(DSE):c.1916A>T (p.Tyr639Phe)

Gene: DSE (dermatan sulfate epimerase; plus strand). Cytogenetic location: 6q22.1.
Variant type: single nucleotide variant.
Coding change: c.1916A>T on transcript NM_013352.4 (MANE Select); coding-DNA position 1916, A replaced by T.
Protein change: p.Tyr639Phe; replaces tyrosine 639 with phenylalanine.
Molecular consequence: missense variant. On other transcripts: 3 prime UTR variant (2), non-coding transcript variant (1).
Genome position (GRCh38, 1-based): chr6:116,436,384, A>T. VCF-style: chr6-116436384-A-T. GRCh37 (hg19) VCF-style: chr6-116757547-A-T.
Other names: c.1916A>T, p.Tyr639Phe (NM_001080976.3, NM_001322937.2, NM_001322938.2); c.1973A>T, p.Tyr658Phe (NM_001322939.2); c.1355A>T, p.Tyr452Phe (NM_001322940.2, NM_001322941.2); c.*781A>T (NM_001322943.2, NM_001322944.2); c.917A>T, p.Tyr306Phe (NM_001374520.1); c.881A>T, p.Tyr294Phe (NM_001374521.1); short protein forms Y294F, Y306F, Y658F, Y452F, Y639F.
Identifiers: ClinVar variation 1406518 (VCV001406518.6), dbSNP rs1784155007, ClinGen allele CA365403819.

ClinVar aggregate classification (germline): Uncertain significance (1 of 4 stars; one submission).

Conditions:
Ehlers-Danlos syndrome, musculocontractural type 2 (EDSMC2). Identifiers: Orphanet 2953, MedGen C3809845, MONDO:0014236, OMIM 615539.

Submission:

Labcorp Genetics (formerly Invitae), Labcorp
Classification: Uncertain significance for Ehlers-Danlos syndrome, musculocontractural type 2. Last evaluated: 2022-06-05. Review status: criteria provided, single submitter. Criteria: Invitae Variant Classification Sherloc (09022015). Collection method: clinical testing. Allele origin: germline.
Comment: In summary, the available evidence is currently insufficient to determine the role of this variant in disease. Therefore, it has been classified as a Variant of Uncertain Significance. Algorithms developed to predict the effect of missense changes on protein structure and function are either unavailable or do not agree on the potential impact of this missense change (SIFT: "Not Available"; PolyPhen-2: "Probably Damaging"; Align-GVGD: "Not Available"). ClinVar contains an entry for this variant (Variation ID: 1406518). This variant has not been reported in the literature in individuals affected with DSE-related conditions. This variant is not present in population databases (gnomAD no frequency). This sequence change replaces tyrosine, which is neutral and polar, with phenylalanine, which is neutral and non-polar, at codon 639 of the DSE protein (p.Tyr639Phe).